The following is an entry in ClinVar:

ClinVar aggregate classification (germline): Benign (0 of 4 stars; one submission).

Conditions:
ZNF582-related disorder. Also called: ZNF582-related condition.

Allele frequency attached by ClinVar (database versions not stated): ESP Exome Variant Server 0.11994; TOPMed 0.12525; gnomAD 0.12695; ExAC 0.15130; 1000 Genomes Project 30x 0.15428; 1000 Genomes Project 0.15855.
gnomAD v4.1: 213,904 of 1,612,336 alleles (13%); highest among the groups gnomAD compares: East Asian, 30%; 15,257 homozygotes.

Submission:

PreventionGenetics, part of Exact Sciences
Classification: Benign for ZNF582-related condition. Last evaluated: 2019-10-21. Review status: no assertion criteria provided. Collection method: clinical testing. Allele origin: germline.
Comment: This variant is classified as benign based on ACMG/AMP sequence variant interpretation guidelines (Richards et al. 2015 PMID: 25741868, with internal and published modifications).

NM_001320371.4(ZNF582):c.1290G>A (p.Lys430=)

Genes: ZNF582 (zinc finger protein 582; minus strand), LOC126862939 (BRD4-independent group 4 enhancer GRCh37_chr19:56895030-56896229; plus strand). Cytogenetic location: 19q13.43.
Variant type: single nucleotide variant.
Coding change: c.1290G>A on transcript NM_001320371.4 (MANE Select); coding-DNA position 1290, G replaced by A.
Protein change: p.Lys430=; no amino-acid change (lysine 430 retained).
Molecular consequence: synonymous variant.
Genome position (GRCh38, 1-based): chr19:56,384,127, C>T on the plus strand (G>A on the coding strand, the complement: ZNF582 is on the minus strand). VCF-style: chr19-56384127-C-T. GRCh37 (hg19) VCF-style: chr19-56895496-C-T.
Other names: c.1290G>A, p.Lys430= (NM_144690.3).
Identifiers: ClinVar variation 3058896 (VCV003058896.2), dbSNP rs12978696, ClinGen allele CA9689187.